The following is an entry in ClinVar:

ClinVar aggregate classification (germline): Conflicting classifications of pathogenicity. Review status: criteria provided, conflicting classifications (1 of 4 stars). 7 submissions from 7 submitters: Uncertain significance (1); Benign (2); Likely benign (3). 1 of the submissions does not count toward it. Last evaluated 2025-09-22.

Conditions:
Holoprosencephaly 3 (HPE3). Identifiers: Orphanet 2162, MedGen C1840529, MONDO:0007733, OMIM 142945.

Allele frequency attached by ClinVar (database versions not stated): gnomAD exomes 0.00010 and 0.00021; ExAC 0.00021; 1000 Genomes Project 30x 0.00047; 1000 Genomes Project 0.00060; gnomAD 0.00093; TOPMed 0.00111.

Submissions (7):

Labcorp Genetics (formerly Invitae), Labcorp
Classification: Benign for Holoprosencephaly 3. Last evaluated: 2025-09-22. Review status: criteria provided, single submitter. Criteria: Invitae Variant Classification Sherloc (09022015). Collection method: clinical testing. Allele origin: germline.

Blueprint Genetics
Classification: Likely benign. Last evaluated: 2024-07-05. Review status: criteria provided, single submitter. Criteria: ACMG Guidelines, 2015. Collection method: clinical testing. Allele origin: germline.

ARUP Laboratories, Molecular Genetics and Genomics, ARUP Laboratories
Classification: Benign. Last evaluated: 2023-08-07. Review status: criteria provided, single submitter. Criteria: ARUP Molecular Germline Variant Investigation Process 2024. Collection method: clinical testing. Allele origin: germline.

GeneDx
Classification: Likely benign. Last evaluated: 2018-01-16. Review status: criteria provided, single submitter. Criteria: GeneDx Variant Classification (06012015). Collection method: clinical testing. Allele origin: germline. Affected: yes.
Comment: This variant is considered likely benign or benign based on one or more of the following criteria: it is a conservative change, it occurs at a poorly conserved position in the protein, it is predicted to be benign by multiple in silico algorithms, and/or has population frequency not consistent with disease.

Eurofins Ntd Llc (ga)
Classification: Uncertain significance. Last evaluated: 2015-07-08. Review status: criteria provided, single submitter. Criteria: EGL Classification Definitions 2015. Collection method: clinical testing. Allele origin: germline. Observed: 2 variant alleles, 2 heterozygotes.

PreventionGenetics, part of Exact Sciences
Classification: Likely benign. Review status: criteria provided, single submitter. Criteria: ACMG Guidelines, 2015. Collection method: clinical testing. Allele origin: germline.

GeneReviews
Classification: Benign for Holoprosencephaly. Last evaluated: 2013-08-29. Review status: no assertion criteria provided. Collection method: curation. Allele origin: unknown. Not counted in ClinVar's aggregate classification.
ClinVar note: Converted during submission from non-pathogenic to Benign.

NM_000193.4(SHH):c.876G>A (p.Gly292=)

Gene: SHH (sonic hedgehog signaling molecule; minus strand). Cytogenetic location: 7q36.3.
Variant type: single nucleotide variant.
Coding change: c.876G>A on transcript NM_000193.4 (MANE Select); coding-DNA position 876, G replaced by A.
Protein change: p.Gly292=; no amino-acid change (glycine 292 retained).
Molecular consequence: synonymous variant. On other transcripts: intron variant (1).
Genome position (GRCh38, 1-based): chr7:155,803,413, C>T on the plus strand (G>A on the coding strand, the complement: SHH is on the minus strand). VCF-style: chr7-155803413-C-T. GRCh37 (hg19) VCF-style: chr7-155596107-C-T.
Other names: c.876G>A; c.301+2883G>A (NM_001310462.2).
Identifiers: ClinVar variation 65911 (VCV000065911.28), dbSNP rs112055654, ClinGen allele CA345251.